The following is an entry in ClinVar:

NM_000350.3(ABCA4):c.3389T>C (p.Ile1130Thr)

Gene: ABCA4 (ATP binding cassette subfamily A member 4; minus strand). Cytogenetic location: 1p22.1.
Variant type: single nucleotide variant.
Coding change: c.3389T>C on transcript NM_000350.3 (MANE Select); coding-DNA position 3389, T replaced by C.
Protein change: p.Ile1130Thr; replaces isoleucine 1130 with threonine.
Molecular consequence: missense variant.
Genome position (GRCh38, 1-based): chr1:94,041,342, A>G on the plus strand (T>C on the coding strand, the complement: ABCA4 is on the minus strand). VCF-style: chr1-94041342-A-G. GRCh37 (hg19) VCF-style: chr1-94506898-A-G.
Other names: c.3167T>C, p.Ile1056Thr (NM_001425324.1); short protein forms I1130T, I1056T.
Identifiers: ClinVar variation 417988 (VCV000417988.6), dbSNP rs1064793010, ClinGen allele CA16617206.
Genomic context (GRCh38, chr1:94,041,342, plus strand): 5'-CAGTTCTTCAGGAAGAGTGGGGTGCCTGAGCAGTAGAGCCTTCCCTGGGCAATGATGGCA[A>G]TGCGGTCCCCAAGGAGGTCGGCCTCGTCCATGTGGTGAGTGGACATGATGATGGTTCTGC-3'
Protein context (NP_000341.2, residues 1120-1140): MDEADLLGDR[Ile1130Thr]AIIAQGRLYC

ClinVar aggregate classification (germline): Pathogenic/Likely pathogenic. Review status: criteria provided, multiple submitters, no conflicts (2 of 4 stars). 2 submissions from 2 submitters: Pathogenic (1); Likely pathogenic (1). Last evaluated 2022-03-18.

Allele frequency attached by ClinVar (database versions not stated): gnomAD exomes below 0.00001; gnomAD 0.00001.

Submissions (2):

Labcorp Genetics (formerly Invitae), Labcorp
Classification: Pathogenic. Last evaluated: 2022-03-18. Review status: criteria provided, single submitter. Criteria: Invitae Variant Classification Sherloc (09022015). Collection method: clinical testing. Allele origin: germline.
Comment: This sequence change replaces isoleucine, which is neutral and non-polar, with threonine, which is neutral and polar, at codon 1130 of the ABCA4 protein (p.Ile1130Thr). This variant is not present in population databases (gnomAD no frequency). This missense change has been observed in individual(s) with Stargardt disease (PMID: 26780318, 29925512). In at least one individual the data is consistent with being in trans (on the opposite chromosome) from a pathogenic variant. ClinVar contains an entry for this variant (Variation ID: 417988). Advanced modeling of protein sequence and biophysical properties (such as structural, functional, and spatial information, amino acid conservation, physicochemical variation, residue mobility, and thermodynamic stability) performed at Invitae indicates that this missense variant is expected to disrupt ABCA4 protein function. For these reasons, this variant has been classified as Pathogenic.

GeneDx
Classification: Likely pathogenic. Last evaluated: 2014-05-27. Review status: criteria provided, single submitter. Criteria: GeneDx Variant Classification (06012015). Collection method: clinical testing. Allele origin: germline. Affected: yes.
Comment: A novel I1130T variant that is likely pathogenic was identified in theABCA4 gene. It has not been published as a pathogenic variant, nor has it been reported as a benign polymorphism to our knowledge. The I1130T variant was not observed in approximately 6,500 individuals of European and African American ancestry in an external variant database, indicating it is not a common benign variant in these populations. The 1130T variant is a non-conservative amino acid substitution, which is likely to impact secondary protein structure as these residues differ in polarity, charge, size and/or other properties. This substitution occurs at a position that is conserved across species. In silico analysis predicts this variant is probably damaging to the protein structure/function. Missense variants in nearby residues (G1127E, R1129C, R1129H and I1133T) have been reported in the Human Gene Mutation Database in association with Stargardt disease, age-related macular degeneration, and retinal disease (Stenson et al., 2009), supporting the functional importance of this region of the protein. Therefore, this variant is a strong candidate for a pathogenic variant, however the possibility that it is a benign variant cannot be excluded.

Literature cited by the submitters: PubMed 26780318 (cited by Labcorp Genetics (formerly Invitae), Labcorp); PubMed 29925512 (cited by Labcorp Genetics (formerly Invitae), Labcorp).